The following is an entry in ClinVar:

NM_000143.4(FH):c.1251A>T (p.Leu417Phe)

Gene: FH (fumarate hydratase; minus strand). Cytogenetic location: 1q43.
Variant type: single nucleotide variant.
Coding change: c.1251A>T on transcript NM_000143.4 (MANE Select); coding-DNA position 1251, A replaced by T.
Protein change: p.Leu417Phe; replaces leucine 417 with phenylalanine.
Molecular consequence: missense variant.
Genome position (GRCh38, 1-based): chr1:241,500,576, T>A on the plus strand (A>T on the coding strand, the complement: FH is on the minus strand). VCF-style: chr1-241500576-T-A. GRCh37 (hg19) VCF-style: chr1-241663876-T-A.
Other names: short protein forms L417F.
Identifiers: ClinVar variation 3850227 (VCV003850227.1).

ClinVar aggregate classification (germline): Uncertain significance (1 of 4 stars; one submission).

Conditions:
Hereditary cancer-predisposing syndrome. Also called: Hereditary neoplastic syndrome; Neoplastic Syndromes, Hereditary; Tumor predisposition; Hereditary Cancer Syndrome. Identifiers: Orphanet 140162, MedGen C0027672, MeSH D009386, MONDO:0015356.

Submission:

Ambry Genetics
Classification: Uncertain significance for Hereditary cancer-predisposing syndrome. Last evaluated: 2025-01-16. Review status: criteria provided, single submitter. Criteria: Ambry Variant Classification Scheme 2023. Collection method: clinical testing. Allele origin: germline.
Comment: The p.L417F variant (also known as c.1251A>T), located in coding exon 9 of the FH gene, results from an A to T substitution at nucleotide position 1251. The leucine at codon 417 is replaced by phenylalanine, an amino acid with highly similar properties. This amino acid position is conserved. In addition, this alteration is predicted to be deleterious by in silico analysis. Based on the available evidence, the clinical significance of this variant remains unclear.